The following is an entry in ClinVar:

ClinVar aggregate classification (germline): Likely benign. Review status: criteria provided, multiple submitters, no conflicts (2 of 4 stars). 2 submissions from 2 submitters: Likely benign (2). Last evaluated 2026-01-28.

Conditions:
DYRK1A-related intellectual disability syndrome (MRD7). Also called: Intellectual developmental disorder, autosomal dominant 7; DYRK1A Syndrome. Identifiers: Orphanet 464306, MedGen C5568143, MONDO:0013578, OMIM 614104.

Allele frequency attached by ClinVar (database versions not stated): ExAC 0.00001; gnomAD 0.00001; gnomAD exomes 0.00001; TOPMed 0.00003.
gnomAD v4.1: 18 of 1,604,244 alleles (0.0011%); highest among the groups gnomAD compares: Non-Finnish European, 0.0015%; no homozygotes.

Submissions (2):

Labcorp Genetics (formerly Invitae), Labcorp
Classification: Likely benign for DYRK1A-related intellectual disability syndrome. Last evaluated: 2026-01-28. Review status: criteria provided, single submitter. Criteria: Invitae Variant Classification Sherloc (09022015). Collection method: clinical testing. Allele origin: germline.

GeneDx
Classification: Likely benign. Last evaluated: 2016-08-05. Review status: criteria provided, single submitter. Criteria: GeneDx Variant Classification (06012015). Collection method: clinical testing. Allele origin: germline. Affected: yes.
Comment: This variant is considered likely benign or benign based on one or more of the following criteria: it is a conservative change, it occurs at a poorly conserved position in the protein, it is predicted to be benign by multiple in silico algorithms, and/or has population frequency not consistent with disease.

NM_001347721.2(DYRK1A):c.1645-12C>G

Gene: DYRK1A (dual specificity tyrosine phosphorylation regulated kinase 1A; plus strand). Cytogenetic location: 21q22.13.
Variant type: single nucleotide variant.
Coding change: c.1645-12C>G on transcript NM_001347721.2 (MANE Select); 12 bases into the intron before coding-DNA position 1645, C replaced by G.
Molecular consequence: intron variant.
Genome position (GRCh38, 1-based): chr21:37,511,899, C>G. VCF-style: chr21-37511899-C-G. GRCh37 (hg19) VCF-style: chr21-38884202-C-G.
Other names: c.1672-12C>G (NM_001396.5); c.1645-12C>G (NM_001347722.2, NM_130436.2); c.1558-12C>G (NM_001347723.2); c.*48-12C>G (NM_101395.2); c.1547-12C>G (NM_130438.2).
Identifiers: ClinVar variation 388116 (VCV000388116.6), dbSNP rs777693335, ClinGen allele CA10024073.